The following is an entry in ClinVar:

ClinVar aggregate classification (germline): Pathogenic (1 of 4 stars; one submission).

Conditions:
Wilson disease (WND). Also called: Wilson's disease. Identifiers: Orphanet 905, MedGen C0019202, MONDO:0010200, OMIM 277900. Disease mechanism: loss of function.

Submission:

Labcorp Genetics (formerly Invitae), Labcorp
Classification: Pathogenic for Wilson disease. Last evaluated: 2023-02-18. Review status: criteria provided, single submitter. Criteria: Invitae Variant Classification Sherloc (09022015). Collection method: clinical testing. Allele origin: germline.
Comment: For these reasons, this variant has been classified as Pathogenic. This variant has not been reported in the literature in individuals affected with ATP7B-related conditions. This variant is not present in population databases (gnomAD no frequency). This sequence change creates a premature translational stop signal (p.Pro235Thrfs*6) in the ATP7B gene. It is expected to result in an absent or disrupted protein product. Loss-of-function variants in ATP7B are known to be pathogenic (PMID: 10441329, 16283883).

Literature cited by the submitters: PubMed 10441329; PubMed 16283883.

NM_000053.4(ATP7B):c.702dup (p.Pro235fs)

Gene: ATP7B (ATPase copper transporting beta; minus strand). Cytogenetic location: 13q14.3.
Variant type: Duplication.
Coding change: c.702dup on transcript NM_000053.4 (MANE Select); coding-DNA position 702, one base duplicated (A; older notation c.702dupA).
Protein change: p.Pro235fs; shifts the reading frame from proline 235.
Molecular consequence: frameshift variant.
Genome position (GRCh38, 1-based): chr13:51,974,518, T duplicated on the plus strand (A on the coding strand, the reverse complement: ATP7B is on the minus strand). VCF-style (leftmost placement, unchanged base first): chr13-51974517-G-GT. GRCh37 (hg19) VCF-style: chr13-52548653-G-GT.
Other names: c.702dup, p.Pro235fs (NM_001005918.3, NM_001243182.2, NM_001330578.2 and 30 more transcripts); c.606dup, p.Pro203fs (NM_001406517.1, NM_001406518.1, NM_001406530.1 and 4 more transcripts); short protein forms P235fs, P203fs.
Identifiers: ClinVar variation 2838735 (VCV002838735.3), dbSNP rs2547819511, ClinGen allele CA2739277635.
Genomic context (GRCh38, chr13:51,974,517, plus strand): 5'-GGCTTCCTTGGTGCCCCAAGGTCTCAGAATTATTAAAATTCTGGTTAGCAGAAGATAAAG[G>GT]TCTCTTTGGGTTAGTGCTTTGTAACCGCTCAATATCAATTGGTCCCAGGCTTAAGGGAGC-3'